The following is an entry in ClinVar:

ClinVar aggregate classification (germline): Benign. Review status: criteria provided, multiple submitters, no conflicts (2 of 4 stars). 2 submissions from 2 submitters: Benign (2). Last evaluated 2018-06-16.

Allele frequency attached by ClinVar (database versions not stated): 1000 Genomes Project 0.02736; 1000 Genomes Project 30x 0.02858; TOPMed 0.02875.
gnomAD v4.1: 6,383 of 923,784 alleles (0.69%); highest among the groups gnomAD compares: African/African-American, 9%; 264 homozygotes.

Submissions (2):

GeneDx
Classification: Benign. Last evaluated: 2018-06-16. Review status: criteria provided, single submitter. Criteria: GeneDx Variant Classification (06012015). Collection method: clinical testing. Allele origin: germline. Affected: yes.
Comment: This variant is considered likely benign or benign based on one or more of the following criteria: it is a conservative change, it occurs at a poorly conserved position in the protein, it is predicted to be benign by multiple in silico algorithms, and/or has population frequency not consistent with disease.

Breakthrough Genomics
Classification: Benign. Review status: criteria provided, single submitter. Criteria: ACMG Guidelines, 2015. Collection method: not provided. Allele origin: germline. Inheritance: Autosomal dominant inheritance. Affected: yes.

NM_015915.5(ATL1):c.1567-77C>A

Gene: ATL1 (atlastin GTPase 1; plus strand). Cytogenetic location: 14q22.1.
Variant type: single nucleotide variant.
Coding change: c.1567-77C>A on transcript NM_015915.5 (MANE Select); 77 bases into the intron before coding-DNA position 1567, C replaced by A.
Molecular consequence: intron variant.
Genome position (GRCh38, 1-based): chr14:50,632,152, C>A. VCF-style: chr14-50632152-C-A. GRCh37 (hg19) VCF-style: chr14-51098870-C-A.
Other names: c.1552-77C>A (NM_001127713.1, NM_181598.4).
Identifiers: ClinVar variation 675718 (VCV000675718.2), dbSNP rs75154648, ClinGen allele CA260797639.